The following is an entry in ClinVar:

ClinVar aggregate classification (germline): Uncertain significance (1 of 4 stars; one submission).

Allele frequency attached by ClinVar (database versions not stated): gnomAD exomes below 0.00001.
gnomAD v4.1: 2 of 1,551,698 alleles (0.00013%); highest among the groups gnomAD compares: African/African-American, 0.0027%; no homozygotes.

Submission:

Labcorp Genetics (formerly Invitae), Labcorp
Classification: Uncertain significance. Last evaluated: 2023-10-29. Review status: criteria provided, single submitter. Criteria: Invitae Variant Classification Sherloc (09022015). Collection method: clinical testing. Allele origin: germline.
Comment: This sequence change replaces lysine, which is basic and polar, with arginine, which is basic and polar, at codon 428 of the GREB1L protein (p.Lys428Arg). This variant is not present in population databases (gnomAD no frequency). This variant has not been reported in the literature in individuals affected with GREB1L-related conditions. An algorithm developed to predict the effect of missense changes on protein structure and function (PolyPhen-2) suggests that this variant is likely to be disruptive. In summary, the available evidence is currently insufficient to determine the role of this variant in disease. Therefore, it has been classified as a Variant of Uncertain Significance.

NM_001142966.3(GREB1L):c.1283A>G (p.Lys428Arg)

Genes: GREB1L (GREB1 like retinoic acid receptor coactivator; plus strand), GREB1L-AS1 (GREB1L antisense RNA 1; minus strand). Cytogenetic location: 18q11.1.
Variant type: single nucleotide variant.
Coding change: c.1283A>G on transcript NM_001142966.3 (MANE Select); coding-DNA position 1283, A replaced by G.
Protein change: p.Lys428Arg; replaces lysine 428 with arginine.
Molecular consequence: missense variant.
Genome position (GRCh38, 1-based): chr18:21,444,299, A>G. VCF-style: chr18-21444299-A-G. GRCh37 (hg19) VCF-style: chr18-19024260-A-G.
Other names: c.1412A>G, p.Lys471Arg (NM_001410867.1); c.1283A>G, p.Lys428Arg (NM_001410868.1); short protein forms K471R, K428R.
Identifiers: ClinVar variation 2777944 (VCV002777944.3), dbSNP rs2511389119, ClinGen allele CA401800922.
Genomic context (GRCh38, chr18:21,444,299, plus strand): 5'-CCTATTTCTATGGAAATGTTGGTGACATTGTTGTGAGTCCTCTGCTGGTGAATTGCTACA[A>G]GATTCCACAGTTGGAAAACAAAGATTTGGAAAAATTAGGGTTGACCGGCAGCCAATTTCT-3'
Protein context (NP_001136438.1, residues 418-438): VVSPLLVNCY[Lys428Arg]IPQLENKDLE